The following is an entry in ClinVar:

NM_001365536.1(SCN9A):c.3196G>A (p.Val1066Met)

Genes: SCN1A-AS1 (SCN1A and SCN9A antisense RNA 1; plus strand), SCN9A (sodium voltage-gated channel alpha subunit 9; minus strand). Cytogenetic location: 2q24.3.
Variant type: single nucleotide variant.
Coding change: c.3196G>A on transcript NM_001365536.1 (MANE Select); coding-DNA position 3196, G replaced by A.
Protein change: p.Val1066Met; replaces valine 1066 with methionine.
Molecular consequence: missense variant.
Genome position (GRCh38, 1-based): chr2:166,272,554, C>T on the plus strand (G>A on the coding strand, the complement: SCN9A is on the minus strand). VCF-style: chr2-166272554-C-T. GRCh37 (hg19) VCF-style: chr2-167129064-C-T.
Other names: c.3163G>A, p.Val1055Met (NM_002977.4); short protein forms V1066M, V1055M.
Identifiers: ClinVar variation 1512626 (VCV001512626.9), dbSNP rs1384581509, ClinGen allele CA349073240.

ClinVar aggregate classification (germline): Conflicting classifications of pathogenicity. Review status: criteria provided, conflicting classifications (1 of 4 stars). 2 submissions from 2 submitters: Uncertain significance (1); Likely benign (1). Last evaluated 2025-05-01.

Conditions:
Inborn genetic diseases. Identifiers: MedGen C0950123, MeSH D030342.
Neuropathy, hereditary sensory and autonomic, type 2A (HSAN2A). Also called: HSAN IIA; WNK1-Related HSAN2 (HSAN2A); NEUROPATHY, CONGENITAL SENSORY; NEUROPATHY, HEREDITARY SENSORY RADICULAR, AUTOSOMAL RECESSIVE; NEUROPATHY, HEREDITARY SENSORY, TYPE IIA; NEUROPATHY, PROGRESSIVE SENSORY, OF CHILDREN. Identifiers: Orphanet 970, MedGen C2752089, MONDO:0024309, OMIM 201300.
Generalized epilepsy with febrile seizures plus, type 7 (GEFSP7). Also called: GEFS+, TYPE 7. Identifiers: Orphanet 36387, MedGen C2751778, MONDO:0013470, OMIM 613863.

Allele frequency attached by ClinVar (database versions not stated): gnomAD 0.00001; gnomAD exomes 0.00001 and 0.00002.
gnomAD v4.1: 11 of 1,613,302 alleles (0.00068%); highest among the groups gnomAD compares: Admixed American, 0.0067%; no homozygotes.

Submissions (2):

Labcorp Genetics (formerly Invitae), Labcorp
Classification: Uncertain significance for Neuropathy, hereditary sensory and autonomic, type 2A; Generalized epilepsy with febrile seizures plus, type 7. Last evaluated: 2025-05-01. Review status: criteria provided, single submitter. Criteria: Invitae Variant Classification Sherloc (09022015). Collection method: clinical testing. Allele origin: germline.
Comment: This sequence change replaces valine, which is neutral and non-polar, with methionine, which is neutral and non-polar, at codon 1055 of the SCN9A protein (p.Val1055Met). This variant is present in population databases (no rsID available, gnomAD 0.007%). This variant has not been reported in the literature in individuals affected with SCN9A-related conditions. ClinVar contains an entry for this variant (Variation ID: 1512626). Invitae Evidence Modeling of protein sequence and biophysical properties (such as structural, functional, and spatial information, amino acid conservation, physicochemical variation, residue mobility, and thermodynamic stability) indicates that this missense variant is not expected to disrupt SCN9A protein function with a negative predictive value of 95%. In summary, the available evidence is currently insufficient to determine the role of this variant in disease. Therefore, it has been classified as a Variant of Uncertain Significance.

Ambry Genetics
Classification: Likely benign for Inborn genetic diseases. Last evaluated: 2025-04-07. Review status: criteria provided, single submitter. Criteria: Ambry Variant Classification Scheme 2023. Collection method: clinical testing. Allele origin: germline.